The following is an entry in ClinVar:

NM_001271.4(CHD2):c.4207A>C (p.Lys1403Gln)

Gene: CHD2 (chromodomain helicase DNA binding protein 2; plus strand). Cytogenetic location: 15q26.1.
Variant type: single nucleotide variant.
Coding change: c.4207A>C on transcript NM_001271.4 (MANE Select); coding-DNA position 4207, A replaced by C.
Protein change: p.Lys1403Gln; replaces lysine 1403 with glutamine.
Molecular consequence: missense variant.
Genome position (GRCh38, 1-based): chr15:93,002,246, A>C. VCF-style: chr15-93002246-A-C. GRCh37 (hg19) VCF-style: chr15-93545476-A-C.
Other names: short protein forms K1403Q.
Identifiers: ClinVar variation 2117204 (VCV002117204.4), dbSNP rs2505603062, ClinGen allele CA393901062.

ClinVar aggregate classification (germline): Uncertain significance (1 of 4 stars; one submission).

Conditions:
Developmental and epileptic encephalopathy 94 (DEE94). Also called: CHD2-Related Neurodevelopmental Disorders; Epileptic encephalopathy, childhood-onset. Identifiers: Orphanet 1942, Orphanet 2382, MedGen C3809278, MONDO:0014150, OMIM 615369.

Submission:

Labcorp Genetics (formerly Invitae), Labcorp
Classification: Uncertain significance for Developmental and epileptic encephalopathy 94. Last evaluated: 2022-03-26. Review status: criteria provided, single submitter. Criteria: Invitae Variant Classification Sherloc (09022015). Collection method: clinical testing. Allele origin: germline.
Comment: Advanced modeling of protein sequence and biophysical properties (such as structural, functional, and spatial information, amino acid conservation, physicochemical variation, residue mobility, and thermodynamic stability) performed at Invitae indicates that this missense variant is not expected to disrupt CHD2 protein function. This variant has not been reported in the literature in individuals affected with CHD2-related conditions. This variant is not present in population databases (gnomAD no frequency). This sequence change replaces lysine, which is basic and polar, with glutamine, which is neutral and polar, at codon 1403 of the CHD2 protein (p.Lys1403Gln). In summary, the available evidence is currently insufficient to determine the role of this variant in disease. Therefore, it has been classified as a Variant of Uncertain Significance.